The following is an entry in ClinVar:

ClinVar aggregate classification (germline): Uncertain significance (1 of 4 stars; one submission).

Conditions:
Immunodeficiency 104. Also called: SCID, AUTOSOMAL RECESSIVE, T CELL-NEGATIVE, B CELL-POSITIVE, NK CELL-POSITIVE; Severe Combined Immune Deficiency, Autosomal Recessive, TCell -Negative, B Cell-Positive, NK Cell-Positive, IL7R-Related; IMMUNODEFICIENCY 104, SEVERE COMBINED; Severe combined immunodeficiency, autosomal recessive, T cell-negative, B cell-positive, NK cell-positive. Identifiers: MedGen C5676890, MONDO:0012163, OMIM 608971.

Allele frequency attached by ClinVar (database versions not stated): gnomAD exomes below 0.00001; TOPMed 0.00001; gnomAD 0.00003 and 0.00004.
gnomAD v4.1: 6 of 1,605,002 alleles (0.00037%); highest among the groups gnomAD compares: African/African-American, 0.008%; no homozygotes.

Submission:

Labcorp Genetics (formerly Invitae), Labcorp
Classification: Uncertain significance for Immunodeficiency 104. Last evaluated: 2022-08-09. Review status: criteria provided, single submitter. Criteria: Invitae Variant Classification Sherloc (09022015). Collection method: clinical testing. Allele origin: germline.
Comment: This sequence change replaces histidine, which is basic and polar, with proline, which is neutral and non-polar, at codon 926 of the PTPRC protein (p.His926Pro). This variant is present in population databases (no rsID available, gnomAD 0.01%). This variant has not been reported in the literature in individuals affected with PTPRC-related conditions. ClinVar contains an entry for this variant (Variation ID: 1449709). Algorithms developed to predict the effect of missense changes on protein structure and function (SIFT, PolyPhen-2, Align-GVGD) all suggest that this variant is likely to be disruptive. In summary, the available evidence is currently insufficient to determine the role of this variant in disease. Therefore, it has been classified as a Variant of Uncertain Significance.

NM_002838.5(PTPRC):c.2777A>C (p.His926Pro)

Gene: PTPRC (protein tyrosine phosphatase receptor type C; plus strand). Cytogenetic location: 1q32.1.
Variant type: single nucleotide variant.
Coding change: c.2777A>C on transcript NM_002838.5 (MANE Select); coding-DNA position 2777, A replaced by C.
Protein change: p.His926Pro; replaces histidine 926 with proline.
Molecular consequence: missense variant.
Genome position (GRCh38, 1-based): chr1:198,744,133, A>C. VCF-style: chr1-198744133-A-C. GRCh37 (hg19) VCF-style: chr1-198713262-A-C.
Other names: c.2294A>C, p.His765Pro (NM_080921.4); short protein forms H926P, H765P.
Identifiers: ClinVar variation 1449709 (VCV001449709.5), dbSNP rs955941415, ClinGen allele CA35910673.